The following is an entry in ClinVar:

NM_152419.3(HGSNAT):c.548T>G (p.Leu183Arg)

Gene: HGSNAT (heparan-alpha-glucosaminide N-acetyltransferase; plus strand). Cytogenetic location: 8p11.21.
Variant type: single nucleotide variant.
Coding change: c.548T>G on transcript NM_152419.3 (MANE Select); coding-DNA position 548, T replaced by G.
Protein change: p.Leu183Arg; replaces leucine 183 with arginine.
Molecular consequence: missense variant. On other transcripts: 5 prime UTR variant (1).
Genome position (GRCh38, 1-based): chr8:43,161,492, T>G. VCF-style: chr8-43161492-T-G. GRCh37 (hg19) VCF-style: chr8-43016635-T-G.
Other names: c.548T>G (NM_152419.2); c.548T>G, p.Leu183Arg (NM_001363227.2, NM_001363228.2); c.-286T>G (NM_001363229.2); short protein forms L183R.
Identifiers: ClinVar variation 1983414 (VCV001983414.2), dbSNP rs2486919396, ClinGen allele CA371115840.

ClinVar aggregate classification (germline): Uncertain significance. Review status: criteria provided, single submitter (1 of 4 stars). 2 submissions from 2 submitters: Uncertain significance (1). 1 of the submissions does not count toward it. Last evaluated 2022-02-20.

Conditions:
Mucopolysaccharidosis, MPS-III-C (MPS3C). Also called: SANFILIPPO SYNDROME C; MPS III C; Mucopolysaccharidosis type IIIC (Sanfilippo C); MUCOPOLYSACCHARIDOSIS, TYPE IIIC; mucopolysaccharidosis type 3C; MPS IIIC (Sanfilippo Syndrome Type C). Identifiers: Orphanet 581, Orphanet 79271, MedGen C0086649, MONDO:0009657, OMIM 252930.
Retinitis pigmentosa 73 (RP73). Identifiers: Orphanet 791, MedGen C4225287, MONDO:0014687, OMIM 616544.

gnomAD v4.1: 4 of 1,608,894 alleles (0.00025%); highest among the groups gnomAD compares: Non-Finnish European, 0.00034%; no homozygotes.

Submissions (2):

Labcorp Genetics (formerly Invitae), Labcorp
Classification: Uncertain significance for Retinitis pigmentosa 73; Mucopolysaccharidosis, MPS-III-C. Last evaluated: 2022-02-20. Review status: criteria provided, single submitter. Criteria: Invitae Variant Classification Sherloc (09022015). Collection method: clinical testing. Allele origin: germline.
Comment: This sequence change replaces leucine, which is neutral and non-polar, with arginine, which is basic and polar, at codon 183 of the HGSNAT protein (p.Leu183Arg). This variant is not present in population databases (gnomAD no frequency). This variant has not been reported in the literature in individuals affected with HGSNAT-related conditions. Algorithms developed to predict the effect of missense changes on protein structure and function are either unavailable or do not agree on the potential impact of this missense change (SIFT: "Tolerated"; PolyPhen-2: "Possibly Damaging"; Align-GVGD: "Class C0"). In summary, the available evidence is currently insufficient to determine the role of this variant in disease. Therefore, it has been classified as a Variant of Uncertain Significance.

Natera, Inc.
Classification: Uncertain significance for Mucopolysaccharidosis type IIIC. Last evaluated: 2025-02-22. Review status: no assertion criteria provided. Collection method: clinical testing. Allele origin: germline. Not counted in ClinVar's aggregate classification.